The following is an entry in ClinVar:

ClinVar aggregate classification (germline): Uncertain significance (1 of 4 stars; one submission).

Submission:

Labcorp Genetics (formerly Invitae), Labcorp
Classification: Uncertain significance. Last evaluated: 2024-05-15. Review status: criteria provided, single submitter. Criteria: Invitae Variant Classification Sherloc (09022015). Collection method: clinical testing. Allele origin: germline.
Comment: This sequence change falls in intron 11 of the DCHS1 gene. It does not directly change the encoded amino acid sequence of the DCHS1 protein. It affects a nucleotide within the consensus splice site. This variant is not present in population databases (gnomAD no frequency). This variant has not been reported in the literature in individuals affected with DCHS1-related conditions. Variants that disrupt the consensus splice site are a relatively common cause of aberrant splicing (PMID: 17576681, 9536098). Algorithms developed to predict the effect of sequence changes on RNA splicing suggest that this variant may create or strengthen a splice site. In summary, the available evidence is currently insufficient to determine the role of this variant in disease. Therefore, it has been classified as a Variant of Uncertain Significance.

Literature cited by the submitters: PubMed 17576681; PubMed 9536098.

NM_003737.4(DCHS1):c.5035+4A>C

Gene: DCHS1 (dachsous cadherin-related 1; minus strand). Cytogenetic location: 11p15.4.
Variant type: single nucleotide variant.
Coding change: c.5035+4A>C on transcript NM_003737.4 (MANE Select); 4 bases into the intron after coding-DNA position 5035, A replaced by C.
Molecular consequence: intron variant.
Genome position (GRCh38, 1-based): chr11:6,629,668, T>G on the plus strand (A>C on the coding strand, the complement: DCHS1 is on the minus strand). VCF-style: chr11-6629668-T-G. GRCh37 (hg19) VCF-style: chr11-6650899-T-G.
Identifiers: ClinVar variation 3653509 (VCV003653509.2).